The following is an entry in ClinVar:

NM_017617.5(NOTCH1):c.4552G>A (p.Gly1518Ser)

Gene: NOTCH1 (notch receptor 1; minus strand). Cytogenetic location: 9q34.3.
Variant type: single nucleotide variant.
Coding change: c.4552G>A on transcript NM_017617.5 (MANE Select); coding-DNA position 4552, G replaced by A.
Protein change: p.Gly1518Ser; replaces glycine 1518 with serine.
Molecular consequence: missense variant.
Genome position (GRCh38, 1-based): chr9:136,505,344, C>T on the plus strand (G>A on the coding strand, the complement: NOTCH1 is on the minus strand). VCF-style: chr9-136505344-C-T. GRCh37 (hg19) VCF-style: chr9-139399796-C-T.
Other names: short protein forms G1518S.
Identifiers: ClinVar variation 3363268 (VCV003363268.3).

ClinVar aggregate classification (germline): Uncertain significance. Review status: criteria provided, multiple submitters, no conflicts (2 of 4 stars). 2 submissions from 2 submitters: Uncertain significance (2). Last evaluated 2025-08-04.

Conditions:
Adams-Oliver syndrome 5 (AOS5). Identifiers: Orphanet 974, MedGen C4014970, MONDO:0014459, OMIM 616028.

gnomAD v4.1: 9 of 1,599,462 alleles (0.00056%); highest among the groups gnomAD compares: Non-Finnish European, 0.00068%; no homozygotes.

Submissions (2):

Labcorp Genetics (formerly Invitae), Labcorp
Classification: Uncertain significance for Adams-Oliver syndrome 5. Last evaluated: 2025-08-04. Review status: criteria provided, single submitter. Criteria: Invitae Variant Classification Sherloc (09022015). Collection method: clinical testing. Allele origin: germline.
Comment: This sequence change replaces glycine, which is neutral and non-polar, with serine, which is neutral and polar, at codon 1518 of the NOTCH1 protein (p.Gly1518Ser). This variant is not present in population databases (gnomAD no frequency). This variant has not been reported in the literature in individuals affected with NOTCH1-related conditions. ClinVar contains an entry for this variant (Variation ID: 3363268). Invitae Evidence Modeling of protein sequence and biophysical properties (such as structural, functional, and spatial information, amino acid conservation, physicochemical variation, residue mobility, and thermodynamic stability) indicates that this missense variant is not expected to disrupt NOTCH1 protein function with a negative predictive value of 80%. In summary, the available evidence is currently insufficient to determine the role of this variant in disease. Therefore, it has been classified as a Variant of Uncertain Significance.

GeneDx
Classification: Uncertain significance. Last evaluated: 2023-10-20. Review status: criteria provided, single submitter. Criteria: GeneDx Variant Classification Process June 2021. Collection method: clinical testing. Allele origin: germline. Affected: yes.
Comment: Has not been previously published as pathogenic or benign to our knowledge; Not observed at significant frequency in large population cohorts (gnomAD); In silico analysis supports that this missense variant has a deleterious effect on protein structure/function